The following is an entry in ClinVar:

ClinVar aggregate classification (germline): Uncertain significance. Review status: criteria provided, multiple submitters, no conflicts (2 of 4 stars). 7 submissions from 7 submitters: Uncertain significance (4). 3 of the submissions do not count toward it. Last evaluated 2026-04-20.

Conditions:
Smith-Lemli-Opitz syndrome (SLOS). Also called: POLYDACTYLY, SEX REVERSAL, RENAL HYPOPLASIA, AND UNILOBAR LUNG; RSH SYNDROME; RUTLEDGE LETHAL MULTIPLE CONGENITAL ANOMALY SYNDROME; 7-Dehydrocholesterol reductase deficiency; LETHAL ACRODYSGENITAL SYNDROME. Identifiers: Orphanet 818, MedGen C0175694, MONDO:0010035, OMIM 270400.
Inborn genetic diseases. Identifiers: MedGen C0950123, MeSH D030342.

Allele frequency attached by ClinVar (database versions not stated): gnomAD 0.00003 and 0.00004; TOPMed 0.00002; gnomAD exomes 0.00004 and 0.00002; ExAC 0.00002.
gnomAD v4.1: 62 of 1,610,800 alleles (0.0038%); highest among the groups gnomAD compares: Non-Finnish European, 0.0047%; no homozygotes.

Submissions (7):

GeneDx
Classification: Uncertain significance. Last evaluated: 2026-04-20. Review status: criteria provided, single submitter. Criteria: GeneDx Variant Classification Process June 2021. Collection method: clinical testing. Allele origin: germline.
Comment: Variant identified in a patient with autism; however, it is unclear whether a second variant in this gene was identified (PMID: 28250423); In silico analysis suggests that this missense variant does not alter protein structure/function; Not observed at significant frequency in large population cohorts (gnomAD); This variant is associated with the following publications: (PMID: 28250423)

Ambry Genetics
Classification: Uncertain significance for Inborn genetic diseases. Last evaluated: 2025-09-11. Review status: criteria provided, single submitter. Criteria: Ambry Variant Classification Scheme 2023. Collection method: clinical testing. Allele origin: germline.

Labcorp Genetics (formerly Invitae), Labcorp
Classification: Uncertain significance for Smith-Lemli-Opitz syndrome. Last evaluated: 2024-01-21. Review status: criteria provided, single submitter. Criteria: Invitae Variant Classification Sherloc (09022015). Collection method: clinical testing. Allele origin: germline.
Comment: This sequence change replaces valine, which is neutral and non-polar, with isoleucine, which is neutral and non-polar, at codon 54 of the DHCR7 protein (p.Val54Ile). This variant is present in population databases (rs779222334, gnomAD 0.003%). This missense change has been observed in individual(s) with clinical or biochemical features of Smith–Lemli–Opitz syndrome (PMID: 28250423; Invitae). ClinVar contains an entry for this variant (Variation ID: 558502). Advanced modeling of protein sequence and biophysical properties (such as structural, functional, and spatial information, amino acid conservation, physicochemical variation, residue mobility, and thermodynamic stability) has been performed at Invitae for this missense variant, however the output from this modeling did not meet the statistical confidence thresholds required to predict the impact of this variant on DHCR7 protein function. In summary, the available evidence is currently insufficient to determine the role of this variant in disease. Therefore, it has been classified as a Variant of Uncertain Significance.

Blueprint Genetics
Classification: Uncertain significance. Last evaluated: 2022-10-24. Review status: criteria provided, single submitter. Criteria: ACMG Guidelines, 2015. Collection method: clinical testing. Allele origin: germline.

Counsyl
Classification: Uncertain significance for Smith-Lemli-Opitz syndrome. Last evaluated: 2018-05-23. Review status: no assertion criteria provided. Collection method: clinical testing. Allele origin: unknown. Not counted in ClinVar's aggregate classification.

Clinical Genetics DNA and cytogenetics Diagnostics Lab, Erasmus MC, Erasmus Medical Center
Classification: Uncertain significance. Review status: no assertion criteria provided. Collection method: clinical testing. Allele origin: germline. Affected: yes. Study: VKGL Data-share Consensus. Not counted in ClinVar's aggregate classification.

Joint Genome Diagnostic Labs from Nijmegen and Maastricht, Radboudumc and MUMC+
Classification: Uncertain significance. Review status: no assertion criteria provided. Collection method: clinical testing. Allele origin: germline. Affected: yes. Study: VKGL Data-share Consensus. Not counted in ClinVar's aggregate classification.

Literature cited by the submitters: PubMed 28250423 (cited by Labcorp Genetics (formerly Invitae), Labcorp).

NM_001360.3(DHCR7):c.160G>A (p.Val54Ile)

Gene: DHCR7 (7-dehydrocholesterol reductase; minus strand). Cytogenetic location: 11q13.4.
Variant type: single nucleotide variant.
Coding change: c.160G>A on transcript NM_001360.3 (MANE Select); coding-DNA position 160, G replaced by A.
Protein change: p.Val54Ile; replaces valine 54 with isoleucine.
Molecular consequence: missense variant.
Genome position (GRCh38, 1-based): chr11:71,444,154, C>T on the plus strand (G>A on the coding strand, the complement: DHCR7 is on the minus strand). VCF-style: chr11-71444154-C-T. GRCh37 (hg19) VCF-style: chr11-71155200-C-T.
Other names: c.160G>A, p.Val54Ile (NM_001163817.2); short protein forms V54I.
Identifiers: ClinVar variation 558502 (VCV000558502.13), dbSNP rs779222334, ClinGen allele CA6162674.